The following is an entry in ClinVar:

ClinVar aggregate classification (germline): Uncertain significance. Review status: criteria provided, multiple submitters, no conflicts (2 of 4 stars). 2 submissions from 2 submitters: Uncertain significance (2). Last evaluated 2025-04-04.

Conditions:
Inborn genetic diseases. Identifiers: MedGen C0950123, MeSH D030342.
Pulmonary hypertension, primary, 1 (PPH1). Also called: Pulmonary hypertension, familial primary, 1, with or without HHT. Identifiers: Orphanet 422, MedGen C4552070, MONDO:0024533, OMIM 178600.
Pulmonary venoocclusive disease 1 (PVOD1). Also called: Pulmonary venoocclusive disease 1, autosomal dominant. Identifiers: Orphanet 31837, MedGen C3887658, MONDO:0020713, OMIM 265450.

gnomAD v4.1: 8 of 1,606,656 alleles (0.0005%); highest among the groups gnomAD compares: Non-Finnish European, 0.00068%; no homozygotes.

Submissions (2):

Ambry Genetics
Classification: Uncertain significance for Inborn genetic diseases. Last evaluated: 2025-04-04. Review status: criteria provided, single submitter. Criteria: Ambry Variant Classification Scheme 2023. Collection method: clinical testing. Allele origin: germline.
Comment: The p.R114H variant (also known as c.341G>A), located in coding exon 3 of the BMPR2 gene, results from a G to A substitution at nucleotide position 341. The arginine at codon 114 is replaced by histidine, an amino acid with highly similar properties. This amino acid position is conserved. In addition, the in silico prediction for this alteration is inconclusive. Based on the available evidence, the clinical significance of this variant remains unclear.

Fulgent Genetics
Classification: Uncertain significance for Pulmonary hypertension, primary, 1; Pulmonary venoocclusive disease 1. Last evaluated: 2024-01-27. Review status: criteria provided, single submitter. Criteria: ACMG Guidelines, 2015. Collection method: clinical testing. Allele origin: germline.

NM_001204.7(BMPR2):c.341G>A (p.Arg114His)

Gene: BMPR2 (bone morphogenetic protein receptor type 2; plus strand). Cytogenetic location: 2q33.1.
Variant type: single nucleotide variant.
Coding change: c.341G>A on transcript NM_001204.7 (MANE Select); coding-DNA position 341, G replaced by A.
Protein change: p.Arg114His; replaces arginine 114 with histidine.
Molecular consequence: missense variant.
Genome position (GRCh38, 1-based): chr2:202,467,612, G>A. VCF-style: chr2-202467612-G-A. GRCh37 (hg19) VCF-style: chr2-203332335-G-A.
Other names: short protein forms R114H.
Identifiers: ClinVar variation 3585257 (VCV003585257.2).